The following is an entry in ClinVar:

NM_000535.7(PMS2):c.261_265del (p.His88fs)

Gene: PMS2 (PMS1 homolog 2, mismatch repair system component; minus strand). Cytogenetic location: 7p22.1.
Variant type: Deletion.
Coding change: c.261_265del on transcript NM_000535.7 (MANE Select); coding-DNA positions 261 to 265, 5 bases deleted (TCACA; older notation c.261_265delTCACA).
Protein change: p.His88fs; shifts the reading frame from histidine 88.
Molecular consequence: frameshift variant. On other transcripts: 5 prime UTR variant (35), non-coding transcript variant (1), intron variant (11).
Genome position (GRCh38, 1-based): chr7:6,003,778-6,003,782, TGTGA deleted on the plus strand (TCACA on the coding strand, the reverse complement: PMS2 is on the minus strand); deleting any 5 consecutive bases within chr7:6,003,778-6,003,785 gives the same sequence; the c. name uses the placement nearest the transcript's 3' end. VCF-style (leftmost placement, unchanged base first): chr7-6003777-GTGTGA-G. GRCh37 (hg19) VCF-style: chr7-6043408-GTGTGA-G.
Other names: c.-148_-144delACATC (NM_001018040.1); c.-145_-141del (NM_001322003.2, NM_001322004.2, NM_001322005.2 and 13 more transcripts); c.261_265del, p.His88fs (NM_001322006.2, NM_001322014.2, NM_001406869.1 and 8 more transcripts); c.-624_-620del (NM_001322011.2, NM_001322012.2); c.-224_-220del (NM_001322015.2, NM_001406875.1, NM_001406877.1 and 3 more transcripts); c.447_451del, p.His150fs (NM_001406866.1); c.285_289del, p.His96fs (NM_001406868.1); c.-171_-167del (NM_001406880.1); and 6 more; short protein forms H150fs, H88fs, H96fs.
Identifiers: ClinVar variation 2674267 (VCV002674267.3), dbSNP rs2536500972, ClinGen allele CA2695198439.

ClinVar aggregate classification (germline): Pathogenic. Review status: criteria provided, multiple submitters, no conflicts (2 of 4 stars). 2 submissions from 2 submitters: Pathogenic (2). Last evaluated 2023-09-18.

Conditions:
Hereditary cancer-predisposing syndrome. Also called: Tumor predisposition; Hereditary neoplastic syndrome; Neoplastic Syndromes, Hereditary; Hereditary Cancer Syndrome. Identifiers: Orphanet 140162, MedGen C0027672, MeSH D009386, MONDO:0015356.
Lynch syndrome 4 (LYNCH4). Also called: Hereditary non-polyposis colorectal cancer, type 4; Colorectal cancer, hereditary nonpolyposis, type 4. Identifiers: Orphanet 144, MedGen C1838333, MONDO:0013699, OMIM 614337. Disease mechanism: loss of function.

Submissions (2):

Myriad Genetics, Inc.
Classification: Pathogenic for Lynch syndrome 4. Last evaluated: 2023-09-18. Review status: criteria provided, single submitter. Criteria: Myriad Autosomal Dominant, Autosomal Recessive and X-Linked Classification Criteria (2023). Collection method: clinical testing. Allele origin: unknown.
Comment: This variant is considered pathogenic. This variant creates a frameshift predicted to result in premature protein truncation.

Color Diagnostics, LLC DBA Color Health
Classification: Pathogenic for Hereditary cancer-predisposing syndrome. Last evaluated: 2022-08-29. Review status: criteria provided, single submitter. Criteria: ACMG Guidelines, 2015. Collection method: clinical testing. Allele origin: germline.
Comment: This variant deletes 5 nucleotides in exon 4 of the PMS2 gene, creating a frameshift and premature translation stop signal. This variant is expected to result in an absent or non-functional protein product. To our knowledge, this variant has not been reported in individuals affected with hereditary cancer in the literature. This variant has not been identified in the general population by the Genome Aggregation Database (gnomAD). Loss of PMS2 function is a known mechanism of disease. Based on the available evidence, this variant is classified as Pathogenic.